The following is an entry in ClinVar:

ClinVar aggregate classification (germline): Uncertain significance (1 of 4 stars; one submission).

Conditions:
Ataxia-telangiectasia syndrome (AT). Also called: LOUIS-BAR SYNDROME; Ataxia-telangiectasia, complementation group D; ATAXIA-TELANGIECTASIA, COMPLEMENTATION GROUP A; ATAXIA-TELANGIECTASIA, FRESNO VARIANT; Ataxia-telangiectasia; Ataxia telangiectasia (A-T). Identifiers: Orphanet 100, MedGen C0004135, MONDO:0008840, OMIM 208900.

Allele frequency attached by ClinVar (database versions not stated): gnomAD exomes below 0.00001; TOPMed below 0.00001.

Submission:

Labcorp Genetics (formerly Invitae), Labcorp
Classification: Uncertain significance for Ataxia-telangiectasia syndrome. Last evaluated: 2025-06-16. Review status: criteria provided, single submitter. Criteria: Invitae Variant Classification Sherloc (09022015). Collection method: clinical testing. Allele origin: germline.
Comment: This sequence change replaces alanine, which is neutral and non-polar, with threonine, which is neutral and polar, at codon 340 of the ATM protein (p.Ala340Thr). This variant is not present in population databases (gnomAD no frequency). This variant has not been reported in the literature in individuals affected with ATM-related conditions. ClinVar contains an entry for this variant (Variation ID: 2831528). Invitae Evidence Modeling of protein sequence and biophysical properties (such as structural, functional, and spatial information, amino acid conservation, physicochemical variation, residue mobility, and thermodynamic stability) indicates that this missense variant is not expected to disrupt ATM protein function with a negative predictive value of 95%. In summary, the available evidence is currently insufficient to determine the role of this variant in disease. Therefore, it has been classified as a Variant of Uncertain Significance.

NM_000051.4(ATM):c.1018G>A (p.Ala340Thr)

Gene: ATM (ATM serine/threonine kinase; plus strand). Cytogenetic location: 11q22.3.
Variant type: single nucleotide variant.
Coding change: c.1018G>A on transcript NM_000051.4 (MANE Select); coding-DNA position 1018, G replaced by A.
Protein change: p.Ala340Thr; replaces alanine 340 with threonine.
Molecular consequence: missense variant.
Genome position (GRCh38, 1-based): chr11:108,247,080, G>A. VCF-style: chr11-108247080-G-A. GRCh37 (hg19) VCF-style: chr11-108117807-G-A.
Other names: c.1018G>A, p.Ala340Thr (NM_001351834.2); short protein forms A340T.
Identifiers: ClinVar variation 2831528 (VCV002831528.3), dbSNP rs2079887896, ClinGen allele CA382531507.